The following is an entry in ClinVar:

NM_000823.4(GHRHR):c.151A>G (p.Thr51Ala)

Gene: GHRHR (growth hormone releasing hormone receptor; plus strand). Cytogenetic location: 7p14.3.
Variant type: single nucleotide variant.
Coding change: c.151A>G on transcript NM_000823.4 (MANE Select); coding-DNA position 151, A replaced by G.
Protein change: p.Thr51Ala; replaces threonine 51 with alanine.
Molecular consequence: missense variant.
Genome position (GRCh38, 1-based): chr7:30,968,927, A>G. VCF-style: chr7-30968927-A-G. GRCh37 (hg19) VCF-style: chr7-31008542-A-G.
Other names: short protein forms T51A.
Identifiers: ClinVar variation 909043 (VCV000909043.4), dbSNP rs141571344, ClinGen allele CA4208403.
Genomic context (GRCh38, chr7:30,968,927, plus strand): 5'-ATCACCCAGCTGAGAGAGGATGAGAGTGCCTGTCTACAAGCAGCAGAGGAGATGCCCAAC[A>G]CCACCCTGGGTATGGGGCCTAGGAGGCAGGTGGTGGCTTCTCTGATTCCTTTATATCCTC-3'
Protein context (NP_000814.2, residues 41-61): CLQAAEEMPN[Thr51Ala]TLGCPATWDG

ClinVar aggregate classification (germline): Likely benign (1 of 4 stars; one submission).

Conditions:
Isolated growth hormone deficiency type IB (IGHD1B). Also called: IGHD IB; IGHD 1B. Identifiers: Orphanet 231671, Orphanet 631, MedGen C2748571, MONDO:0013006, OMIM 612781.

Allele frequency attached by ClinVar (database versions not stated): TOPMed 0.00002; gnomAD 0.00003 and 0.00007; gnomAD exomes 0.00003 and 0.00011; ExAC 0.00005; 1000 Genomes Project 30x 0.00047; 1000 Genomes Project 0.00060.
gnomAD v4.1: 165 of 1,610,794 alleles (0.01%); highest among the groups gnomAD compares: East Asian, 0.37%; 3 homozygotes.

Submission:

Illumina Laboratory Services, Illumina
Classification: Likely benign for Isolated growth hormone deficiency type IB. Last evaluated: 2017-04-27. Review status: criteria provided, single submitter. Criteria: ICSL Variant Classification Criteria 13 December 2019. Collection method: clinical testing. Allele origin: germline.
Comment: This variant was observed as part of a predisposition screen in an ostensibly healthy population. A literature search was performed for the gene, cDNA change, and amino acid change (where applicable). Publications were found based on this search. The evidence from the literature, in combination with allele frequency data from public databases where available, was sufficient to determine this variant is unlikely to cause disease. Therefore, this variant is classified as likely benign.

Literature cited by the submitters: PubMed 21044116.